The following is an entry in ClinVar:

NM_001042681.2(RERE):c.3329C>T (p.Pro1110Leu)

Gene: RERE (arginine-glutamic acid dipeptide repeats; minus strand). Cytogenetic location: 1p36.23.
Variant type: single nucleotide variant.
Coding change: c.3329C>T on transcript NM_001042681.2 (MANE Select); coding-DNA position 3329, C replaced by T.
Protein change: p.Pro1110Leu; replaces proline 1110 with leucine.
Molecular consequence: missense variant.
Genome position (GRCh38, 1-based): chr1:8,360,178, G>A on the plus strand (C>T on the coding strand, the complement: RERE is on the minus strand). VCF-style: chr1-8360178-G-A. GRCh37 (hg19) VCF-style: chr1-8420238-G-A.
Other names: c.1667C>T, p.Pro556Leu (NM_001042682.2); c.3329C>T, p.Pro1110Leu (NM_012102.4); short protein forms P1110L, P556L.
Identifiers: ClinVar variation 2582033 (VCV002582033.1), dbSNP rs762952257, ClinGen allele CA338170815.
Genomic context (GRCh38, chr1:8,360,178, plus strand): 5'-GACTGGCTGGCGTGACTGGGGGTGTCCACCACAGTGGGCTCCGGGGACGGGCTCCTTGGT[G>A]GGGGAGGGGGGCTCTCAGGCTCCTCAGCGTCGTCCAGAGCCTCCTCCTTGATCTGGACGG-3'
Protein context (NP_001036146.1, residues 1100-1120): DAEEPESPPP[Pro1110Leu]PRSPSPEPTV

ClinVar aggregate classification (germline): Uncertain significance (1 of 4 stars; one submission).

Submission:

GeneDx
Classification: Uncertain significance. Last evaluated: 2023-03-27. Review status: criteria provided, single submitter. Criteria: GeneDx Variant Classification Process June 2021. Collection method: clinical testing. Allele origin: germline. Affected: yes.
Comment: Not observed at significant frequency in large population cohorts (gnomAD); In silico analysis supports that this missense variant has a deleterious effect on protein structure/function; Has not been previously published as pathogenic or benign to our knowledge